The following is an entry in ClinVar:

ClinVar aggregate classification (germline): Uncertain significance (1 of 4 stars; one submission).

Submission:

GeneDx
Classification: Uncertain significance. Last evaluated: 2023-12-21. Review status: criteria provided, single submitter. Criteria: GeneDx Variant Classification Process June 2021. Collection method: clinical testing. Allele origin: germline. Affected: yes.
Comment: Not observed at significant frequency in large population cohorts (gnomAD); In silico analysis supports that this missense variant does not alter protein structure/function; Has not been previously published as pathogenic or benign to our knowledge

NM_134261.3(RORA):c.127G>A (p.Ala43Thr)

Gene: RORA (RAR related orphan receptor A; minus strand). Cytogenetic location: 15q22.2.
Variant type: single nucleotide variant.
Coding change: c.127G>A on transcript NM_134261.3 (MANE Select); coding-DNA position 127, G replaced by A.
Protein change: p.Ala43Thr; replaces alanine 43 with threonine.
Molecular consequence: missense variant.
Genome position (GRCh38, 1-based): chr15:61,229,092, C>T on the plus strand (G>A on the coding strand, the complement: RORA is on the minus strand). VCF-style: chr15-61229092-C-T. GRCh37 (hg19) VCF-style: chr15-61521291-C-T.
Other names: short protein forms A43T.
Identifiers: ClinVar variation 3370230 (VCV003370230.1).